The following is an entry in ClinVar:

ClinVar aggregate classification (germline): Uncertain significance (1 of 4 stars; one submission).

Submission:

Labcorp Genetics (formerly Invitae), Labcorp
Classification: Uncertain significance. Last evaluated: 2024-11-22. Review status: criteria provided, single submitter. Criteria: Invitae Variant Classification Sherloc (09022015). Collection method: clinical testing. Allele origin: germline.
Comment: This sequence change falls in intron 13 of the KCNQ5 gene. It does not directly change the encoded amino acid sequence of the KCNQ5 protein. It affects a nucleotide within the consensus splice site. This variant is not present in population databases (gnomAD no frequency). This variant has not been reported in the literature in individuals affected with KCNQ5-related conditions. Variants that disrupt the consensus splice site are a relatively common cause of aberrant splicing (PMID: 17576681, 9536098). Algorithms developed to predict the effect of sequence changes on RNA splicing suggest that this variant is not likely to affect RNA splicing. In summary, the available evidence is currently insufficient to determine the role of this variant in disease. Therefore, it has been classified as a Variant of Uncertain Significance.

Literature cited by the submitters: PubMed 17576681; PubMed 9536098.

NM_019842.4(KCNQ5):c.1709+4A>G

Gene: KCNQ5 (potassium voltage-gated channel subfamily Q member 5; plus strand). Cytogenetic location: 6q13.
Variant type: single nucleotide variant.
Coding change: c.1709+4A>G on transcript NM_019842.4 (MANE Select); 4 bases into the intron after coding-DNA position 1709, A replaced by G.
Molecular consequence: intron variant.
Genome position (GRCh38, 1-based): chr6:73,190,708, A>G. VCF-style: chr6-73190708-A-G. GRCh37 (hg19) VCF-style: chr6-73900431-A-G.
Other names: c.1766+4A>G (NM_001160133.2); c.1379+4A>G (NM_001160134.2); c.1739+4A>G (NM_001160132.2); c.1682+4A>G (NM_001160130.2).
Identifiers: ClinVar variation 3725773 (VCV003725773.2).